The following is an entry in ClinVar:

ClinVar aggregate classification (germline): Likely pathogenic (1 of 4 stars; one submission).

Conditions:
Progressive myoclonic epilepsy. Also called: Myoclonus epilepsy; Familial progressive myoclonic epilepsy; Myoclonic Epilepsies, Progressive; Progressive myoclonus epilepsy. Identifiers: Orphanet 308, Orphanet 98261, MedGen C0751778, MONDO:0020074.

Submission:

Labcorp Genetics (formerly Invitae), Labcorp
Classification: Likely pathogenic for Progressive myoclonic epilepsy. Last evaluated: 2023-11-25. Review status: criteria provided, single submitter. Criteria: Invitae Variant Classification Sherloc (09022015). Collection method: clinical testing. Allele origin: germline.
Comment: This sequence change affects an acceptor splice site in intron 2 of the GOSR2 gene. It is expected to disrupt RNA splicing. Variants that disrupt the donor or acceptor splice site typically lead to a loss of protein function (PMID: 16199547), and loss-of-function variants in GOSR2 are known to be pathogenic (PMID: 21549339). This variant is not present in population databases (gnomAD no frequency). This variant has not been reported in the literature in individuals affected with GOSR2-related conditions. ClinVar contains an entry for this variant (Variation ID: 1465855). Algorithms developed to predict the effect of sequence changes on RNA splicing suggest that this variant may disrupt the consensus splice site. In summary, the currently available evidence indicates that the variant is pathogenic, but additional data are needed to prove that conclusively. Therefore, this variant has been classified as Likely Pathogenic.

Literature cited by the submitters: PubMed 16199547; PubMed 21549339.

NM_004287.5(GOSR2):c.95-1G>C

Genes: LRRC37A2 (leucine rich repeat containing 37 member A2), GOSR2 (golgi SNAP receptor complex member 2; plus strand), LOC126862578 (BRD4-independent group 4 enhancer GRCh37_chr17:45008344-45009543; plus strand). Cytogenetic location: 17q21.32.
Variant type: single nucleotide variant.
Coding change: c.95-1G>C on transcript NM_004287.5 (MANE Select); the canonical splice acceptor site of the intron before coding-DNA position 95, G replaced by C.
Molecular consequence: splice acceptor variant. On other transcripts: intron variant (3).
Genome position (GRCh38, 1-based): chr17:46,931,098, G>C. VCF-style: chr17-46931098-G-C. GRCh37 (hg19) VCF-style: chr17-45008464-G-C.
Other names: c.95-1G>C (NM_001321133.2, NM_054022.4, NM_001330252.2 and 1 more transcripts); c.41-1G>C (NM_001363851.2, NM_001321134.2); c.95-4G>C (NM_001353114.2, NM_001353115.2, NM_001353116.2).
Identifiers: ClinVar variation 1465855 (VCV001465855.6), dbSNP rs1186314496, ClinGen allele CA400016564.